The following is an entry in ClinVar:

NM_000038.6(APC):c.5212C>T (p.His1738Tyr)

Gene: APC (APC regulator of Wnt signaling pathway; plus strand). Cytogenetic location: 5q22.2.
Variant type: single nucleotide variant.
Coding change: c.5212C>T on transcript NM_000038.6 (MANE Select); coding-DNA position 5212, C replaced by T.
Protein change: p.His1738Tyr; replaces histidine 1738 with tyrosine.
Molecular consequence: missense variant.
Genome position (GRCh38, 1-based): chr5:112,840,806, C>T. VCF-style: chr5-112840806-C-T. GRCh37 (hg19) VCF-style: chr5-112176503-C-T.
Other names: c.5212C>T, p.His1738Tyr (NM_001127510.3, NM_001354895.2); c.5158C>T, p.His1720Tyr (NM_001127511.3); c.5266C>T, p.His1756Tyr (NM_001354896.2); c.5242C>T, p.His1748Tyr (NM_001354897.2); c.5137C>T, p.His1713Tyr (NM_001354898.2); c.5128C>T, p.His1710Tyr (NM_001354899.2); c.5089C>T, p.His1697Tyr (NM_001354900.2); c.5035C>T, p.His1679Tyr (NM_001354901.2); and 5 more; short protein forms H1455Y, H1578Y, H1612Y, H1637Y, H1647Y, H1679Y, H1697Y, H1710Y.
Identifiers: ClinVar variation 1332053 (VCV001332053.3), dbSNP rs1561598415, ClinGen allele CA16032726.

ClinVar aggregate classification (germline): Uncertain significance (1 of 4 stars; one submission).

Conditions:
Hereditary cancer-predisposing syndrome. Also called: Tumor predisposition; Hereditary Cancer Syndrome; Neoplastic Syndromes, Hereditary; Hereditary neoplastic syndrome. Identifiers: Orphanet 140162, MedGen C0027672, MeSH D009386, MONDO:0015356.

gnomAD v4.1: 1 of 1,614,086 alleles (0.000062%); no homozygotes.

Submission:

Color Diagnostics, LLC DBA Color Health
Classification: Uncertain significance for Hereditary cancer-predisposing syndrome. Last evaluated: 2024-03-06. Review status: criteria provided, single submitter. Criteria: ACMG Guidelines, 2015. Collection method: clinical testing. Allele origin: germline.
Comment: This missense variant replaces histidine with tyrosine at codon 1738 of the APC protein. Computational prediction is inconclusive regarding the impact of this variant on protein structure and function (internally defined REVEL score threshold 0.5 < inconclusive < 0.7, PMID: 27666373). To our knowledge, functional studies have not been reported for this variant. This variant has not been reported in individuals affected with hereditary cancer in the literature. This variant has not been identified in the general population by the Genome Aggregation Database (gnomAD). The available evidence is insufficient to determine the role of this variant in disease conclusively. Therefore, this variant is classified as a Variant of Uncertain Significance.